The following is an entry in ClinVar:

ClinVar aggregate classification (germline): Uncertain significance (1 of 4 stars; one submission).

Conditions:
Epilepsy, progressive myoclonic, 1B. Also called: PME. Identifiers: Orphanet 308, MedGen C2676254, MONDO:0012904, OMIM 612437.

Allele frequency attached by ClinVar (database versions not stated): gnomAD exomes below 0.00001; TOPMed below 0.00001; ExAC 0.00001.
gnomAD v4.1: 7 of 1,614,092 alleles (0.00043%); highest among the groups gnomAD compares: South Asian, 0.0011%; no homozygotes.

Submission:

Labcorp Genetics (formerly Invitae), Labcorp
Classification: Uncertain significance for Epilepsy, progressive myoclonic, 1B. Last evaluated: 2021-09-01. Review status: criteria provided, single submitter. Criteria: Invitae Variant Classification Sherloc (09022015). Collection method: clinical testing. Allele origin: germline.
Comment: This sequence change replaces tyrosine with cysteine at codon 170 of the PRICKLE1 protein (p.Tyr170Cys). The tyrosine residue is highly conserved and there is a large physicochemical difference between tyrosine and cysteine. This variant is present in population databases (rs771717707, ExAC 0.001%). This variant has not been reported in the literature in individuals affected with PRICKLE1-related conditions. Algorithms developed to predict the effect of missense changes on protein structure and function (SIFT, PolyPhen-2, Align-GVGD) all suggest that this variant is likely to be disruptive. In summary, the available evidence is currently insufficient to determine the role of this variant in disease. Therefore, it has been classified as a Variant of Uncertain Significance.

NM_153026.3(PRICKLE1):c.509A>G (p.Tyr170Cys)

Gene: PRICKLE1 (prickle planar cell polarity protein 1; minus strand). Cytogenetic location: 12q12.
Variant type: single nucleotide variant.
Coding change: c.509A>G on transcript NM_153026.3 (MANE Select); coding-DNA position 509, A replaced by G.
Protein change: p.Tyr170Cys; replaces tyrosine 170 with cysteine.
Molecular consequence: missense variant.
Genome position (GRCh38, 1-based): chr12:42,468,705, T>C on the plus strand (A>G on the coding strand, the complement: PRICKLE1 is on the minus strand). VCF-style: chr12-42468705-T-C. GRCh37 (hg19) VCF-style: chr12-42862507-T-C.
Other names: c.509A>G, p.Tyr170Cys (NM_001144881.2, NM_001144882.2, NM_001144883.2); short protein forms Y170C.
Identifiers: ClinVar variation 570398 (VCV000570398.6), dbSNP rs771717707, ClinGen allele CA6519898.